The following is an entry in ClinVar:

NM_024642.5(GALNT12):c.629G>C (p.Arg210Pro)

Gene: GALNT12 (polypeptide N-acetylgalactosaminyltransferase 12; plus strand). Cytogenetic location: 9q22.33.
Variant type: single nucleotide variant.
Coding change: c.629G>C on transcript NM_024642.5 (MANE Select); coding-DNA position 629, G replaced by C.
Protein change: p.Arg210Pro; replaces arginine 210 with proline.
Molecular consequence: missense variant.
Genome position (GRCh38, 1-based): chr9:98,826,839, G>C. VCF-style: chr9-98826839-G-C. GRCh37 (hg19) VCF-style: chr9-101589121-G-C.
Other names: short protein forms R210P.
Identifiers: ClinVar variation 485676 (VCV000485676.16), dbSNP rs780705882, ClinGen allele CA374217552.

ClinVar aggregate classification (germline): Uncertain significance. Review status: criteria provided, multiple submitters, no conflicts (2 of 4 stars). 3 submissions from 3 submitters: Uncertain significance (3). Last evaluated 2025-05-19.

Conditions:
Colorectal cancer, susceptibility to, 1. Also called: COLORECTAL ADENOMA AND CANCER, SUSCEPTIBILITY TO; COLORECTAL CANCER, SUSCEPTIBILITY TO, ON CHROMOSOME 9. Identifiers: MedGen C1837315, MONDO:0012132, OMIM 608812.

gnomAD v4.1: 2 of 1,610,374 alleles (0.00012%); highest among the groups gnomAD compares: Admixed American, 0.0034%; no homozygotes.

Submissions (3):

Ambry Genetics
Classification: Uncertain significance. Last evaluated: 2025-05-19. Review status: criteria provided, single submitter. Criteria: Ambry Variant Classification Scheme 2023. Collection method: clinical testing. Allele origin: germline.
Comment: The p.R210P variant (also known as c.629G>C), located in coding exon 3 of the GALNT12 gene, results from a G to C substitution at nucleotide position 629. The arginine at codon 210 is replaced by proline, an amino acid with dissimilar properties. This amino acid position is highly conserved in available vertebrate species. In addition, this alteration is predicted to be deleterious by in silico analysis. Since supporting evidence is limited at this time, the clinical significance of this alteration remains unclear.

Labcorp Genetics (formerly Invitae), Labcorp
Classification: Uncertain significance. Last evaluated: 2024-06-13. Review status: criteria provided, single submitter. Criteria: Invitae Variant Classification Sherloc (09022015). Collection method: clinical testing. Allele origin: germline.
Comment: This sequence change replaces arginine, which is basic and polar, with proline, which is neutral and non-polar, at codon 210 of the GALNT12 protein (p.Arg210Pro). This variant is present in population databases (no rsID available, gnomAD 0.006%). This variant has not been reported in the literature in individuals affected with GALNT12-related conditions. ClinVar contains an entry for this variant (Variation ID: 485676). Advanced modeling of protein sequence and biophysical properties (such as structural, functional, and spatial information, amino acid conservation, physicochemical variation, residue mobility, and thermodynamic stability) performed at Invitae indicates that this missense variant is not expected to disrupt GALNT12 protein function with a negative predictive value of 80%. In summary, the available evidence is currently insufficient to determine the role of this variant in disease. Therefore, it has been classified as a Variant of Uncertain Significance.

Fulgent Genetics
Classification: Uncertain significance for Colorectal cancer, susceptibility to, 1. Last evaluated: 2024-03-28. Review status: criteria provided, single submitter. Criteria: ACMG Guidelines, 2015. Collection method: clinical testing. Allele origin: germline.